The following is an entry in ClinVar:

NM_001278116.2(L1CAM):c.2402A>G (p.Gln801Arg)

Gene: L1CAM (L1 cell adhesion molecule; minus strand). Cytogenetic location: Xq28.
Variant type: single nucleotide variant.
Coding change: c.2402A>G on transcript NM_001278116.2 (MANE Select); coding-DNA position 2402, A replaced by G.
Protein change: p.Gln801Arg; replaces glutamine 801 with arginine.
Molecular consequence: missense variant.
Genome position (GRCh38, 1-based): chrX:153,866,678, T>C on the plus strand (A>G on the coding strand, the complement: L1CAM is on the minus strand). VCF-style: chrX-153866678-T-C. GRCh37 (hg19) VCF-style: chrX-153132133-T-C.
Other names: c.2402A>G, p.Gln801Arg (NM_000425.5, NM_024003.3); c.2387A>G, p.Gln796Arg (NM_001143963.2); short protein forms Q796R, Q801R.
Identifiers: ClinVar variation 2840544 (VCV002840544.3), dbSNP rs2520984188, ClinGen allele CA415118271.

ClinVar aggregate classification (germline): Uncertain significance (1 of 4 stars; one submission).

Conditions:
Spastic paraplegia. Identifiers: MedGen C0037772, HP:0001258.

Allele frequency attached by ClinVar (database versions not stated): gnomAD exomes below 0.00001.
gnomAD v4.1: 1 of 1,211,125 alleles (0.000083%); highest among the groups gnomAD compares: Non-Finnish European, 0.00011%; no homozygotes.

Submission:

Labcorp Genetics (formerly Invitae), Labcorp
Classification: Uncertain significance for Spastic paraplegia. Last evaluated: 2024-04-01. Review status: criteria provided, single submitter. Criteria: Invitae Variant Classification Sherloc (09022015). Collection method: clinical testing. Allele origin: germline.
Comment: This sequence change replaces glutamine, which is neutral and polar, with arginine, which is basic and polar, at codon 801 of the L1CAM protein (p.Gln801Arg). This variant is not present in population databases (gnomAD no frequency). This variant has not been reported in the literature in individuals affected with L1CAM-related conditions. Advanced modeling of protein sequence and biophysical properties (such as structural, functional, and spatial information, amino acid conservation, physicochemical variation, residue mobility, and thermodynamic stability) performed at Invitae indicates that this missense variant is not expected to disrupt L1CAM protein function with a negative predictive value of 95%. In summary, the available evidence is currently insufficient to determine the role of this variant in disease. Therefore, it has been classified as a Variant of Uncertain Significance.